The following is an entry in ClinVar:

NM_000642.3(AGL):c.4465_4467del (p.Tyr1489del)

Gene: AGL (amylo-alpha-1,6-glucosidase and 4-alpha-glucanotransferase; plus strand). Cytogenetic location: 1p21.2.
Variant type: Deletion.
Coding change: c.4465_4467del on transcript NM_000642.3 (MANE Select); coding-DNA positions 4465 to 4467, 3 bases deleted (TAT; older notation c.4465_4467delTAT).
Protein change: p.Tyr1489del; deletes tyrosine 1489.
Molecular consequence: inframe deletion. On other transcripts: inframe indel (10).
Genome position (GRCh38, 1-based): chr1:99,916,715-99,916,717, TAT deleted; deleting any 3 consecutive bases within chr1:99,916,713-99,916,717 gives the same sequence; the c. name uses the placement nearest the transcript's 3' end. VCF-style (leftmost placement, unchanged base first): chr1-99916712-CATT-C. GRCh37 (hg19) VCF-style: chr1-100382268-CATT-C.
Other names: c.4465_4467delTAT, p.Tyr1489del (NM_000028.3, NM_000643.3, NM_000644.3 and 1 more transcripts); c.4417_4419delTAT, p.Tyr1473del (NM_000646.3); c.4444_4446delTAT, p.Tyr1482del (NM_001425326.1); c.4264_4266delTAT, p.Tyr1422del (NM_001425327.1); c.4261_4263delTAT, p.Tyr1421del (NM_001425328.1); c.4126_4128delTAT, p.Tyr1376del (NM_001425329.1); c.4087_4089delTAT, p.Tyr1363del (NM_001425332.1); short protein forms Y1489del, Y1473del, Y1363del, Y1376del, Y1421del, Y1422del, Y1482del.
Identifiers: ClinVar variation 556204 (VCV000556204.5), dbSNP rs1553193523, ClinGen allele CA658821101.

ClinVar aggregate classification (germline): Uncertain significance. Review status: criteria provided, multiple submitters, no conflicts (2 of 4 stars). 3 submissions from 3 submitters: Uncertain significance (2). 1 of the submissions does not count toward it. Last evaluated 2023-04-11.

Conditions:
Glycogen storage disease type III (GSD3). Also called: FORBES DISEASE; Cori disease. Identifiers: Orphanet 366, MedGen C0017922, MONDO:0009291, OMIM 232400.

Submissions (3):

Genome-Nilou Lab
Classification: Uncertain significance for Glycogen storage disease type III. Last evaluated: 2023-04-11. Review status: criteria provided, single submitter. Criteria: ACMG Guidelines, 2015. Collection method: clinical testing. Allele origin: germline. Affected: no.

Labcorp Genetics (formerly Invitae), Labcorp
Classification: Uncertain significance for Glycogen storage disease type III. Last evaluated: 2022-05-02. Review status: criteria provided, single submitter. Criteria: Invitae Variant Classification Sherloc (09022015). Collection method: clinical testing. Allele origin: germline.
Comment: This variant, c.4465_4467del, results in the deletion of 1 amino acid(s) of the AGL protein (p.Tyr1489del), but otherwise preserves the integrity of the reading frame. This variant is not present in population databases (gnomAD no frequency). In summary, the available evidence is currently insufficient to determine the role of this variant in disease. Therefore, it has been classified as a Variant of Uncertain Significance. Experimental studies and prediction algorithms are not available or were not evaluated, and the functional significance of this variant is currently unknown. ClinVar contains an entry for this variant (Variation ID: 556204). This variant has not been reported in the literature in individuals affected with AGL-related conditions.

Counsyl
Classification: Uncertain significance for Glycogen storage disease type III. Last evaluated: 2018-01-18. Review status: no assertion criteria provided. Collection method: clinical testing. Allele origin: unknown. Not counted in ClinVar's aggregate classification.